The following is an entry in ClinVar:

ClinVar aggregate classification (germline): Benign/Likely benign. Review status: criteria provided, multiple submitters, no conflicts (2 of 4 stars). 5 submissions from 5 submitters: Benign (3); Likely benign (1). 1 of the submissions does not count toward it. Last evaluated 2026-01-01.

Conditions:
GSDME-related disorder. Also called: GSDME-related condition.
Autosomal dominant nonsyndromic hearing loss 5. Identifiers: Orphanet 90635, MedGen C1832932, MONDO:0010973, OMIM 600994.

Allele frequency attached by ClinVar (database versions not stated): gnomAD 0.00001 and 0.00042; TOPMed 0.00005; gnomAD exomes 0.00112; ExAC 0.00129; 1000 Genomes Project 0.00260; 1000 Genomes Project 30x 0.00265.
gnomAD v4.1: 842 of 1,614,144 alleles (0.052%); highest among the groups gnomAD compares: South Asian, 0.87%; 11 homozygotes.

Submissions (5):

CeGaT Center for Human Genetics Tuebingen
Classification: Likely benign. Last evaluated: 2026-01-01. Review status: criteria provided, single submitter. Criteria: CeGaT Center For Human Genetics Tuebingen Variant Classification Criteria Version 2. Collection method: clinical testing. Allele origin: germline. Affected: yes. Observed: 1 variant allele.
Comment: GSDME: BP4, BP7

Labcorp Genetics (formerly Invitae), Labcorp
Classification: Benign. Last evaluated: 2025-08-06. Review status: criteria provided, single submitter. Criteria: Invitae Variant Classification Sherloc (09022015). Collection method: clinical testing. Allele origin: germline.

GeneDx
Classification: Benign. Last evaluated: 2019-12-24. Review status: criteria provided, single submitter. Criteria: GeneDx Variant Classification Process June 2021. Collection method: clinical testing. Allele origin: germline. Affected: yes.

Illumina Laboratory Services, Illumina
Classification: Benign for Autosomal dominant nonsyndromic hearing loss 5. Last evaluated: 2018-01-13. Review status: criteria provided, single submitter. Criteria: ICSL Variant Classification Criteria 13 December 2019. Collection method: clinical testing. Allele origin: germline.
Comment: This variant was observed in the ICSL laboratory as part of a predisposition screen in an ostensibly healthy population. It had not been previously curated by ICSL or reported in the Human Gene Mutation Database (HGMD: prior to June 1st, 2018), and was therefore a candidate for classification through an automated scoring system. Utilizing variant allele frequency, disease prevalence and penetrance estimates, and inheritance mode, an automated score was calculated to assess if this variant is too frequent to cause the disease. Based on the score and internal cut-off values, a variant classified as benign is not then subjected to further curation. The score for this variant resulted in a classification of benign for this disease.

PreventionGenetics, part of Exact Sciences
Classification: Likely benign for GSDME-related condition. Last evaluated: 2024-09-06. Review status: no assertion criteria provided. Collection method: clinical testing. Allele origin: germline. Not counted in ClinVar's aggregate classification.
Comment: This variant is classified as likely benign based on ACMG/AMP sequence variant interpretation guidelines (Richards et al. 2015 PMID: 25741868, with internal and published modifications).

NM_001127453.2(GSDME):c.612C>T (p.Asp204=)

Gene: GSDME (gasdermin E; minus strand). Cytogenetic location: 7p15.3.
Variant type: single nucleotide variant.
Coding change: c.612C>T on transcript NM_001127453.2 (MANE Select); coding-DNA position 612, C replaced by T.
Protein change: p.Asp204=; no amino-acid change (aspartic acid 204 retained).
Molecular consequence: synonymous variant.
Genome position (GRCh38, 1-based): chr7:24,717,339, G>A on the plus strand (C>T on the coding strand, the complement: GSDME is on the minus strand). VCF-style: chr7-24717339-G-A. GRCh37 (hg19) VCF-style: chr7-24756958-G-A.
Other names: c.120C>T, p.Asp40= (NM_001127454.2); c.612C>T, p.Asp204= (NM_004403.3).
Identifiers: ClinVar variation 359849 (VCV000359849.20), dbSNP rs551846110, ClinGen allele CA4191670.